The following is an entry in ClinVar:

NM_001723.7(DST):c.6081A>G (p.Thr2027=)

Gene: DST (dystonin; minus strand). Cytogenetic location: 6p12.1.
Variant type: single nucleotide variant.
Coding change: c.6081A>G on transcript NM_001723.7 (MANE Plus Clinical); coding-DNA position 6081, A replaced by G.
Protein change: p.Thr2027=; no amino-acid change (threonine 2027 retained).
Molecular consequence: synonymous variant. On other transcripts: intron variant (10).
Genome position (GRCh38, 1-based): chr6:56,617,386, T>C on the plus strand (A>G on the coding strand, the complement: DST is on the minus strand). VCF-style: chr6-56617386-T-C. GRCh37 (hg19) VCF-style: chr6-56482184-T-C.
Other names: c.4831-2902A>G (NM_001144769.5); c.4930-2902A>G (NM_001374722.1, NM_001374736.1); c.4957-2902A>G (NM_001374734.1); c.4417-2902A>G (NM_001144770.2); c.4297-2902A>G (NM_001374730.1, NM_001386100.1, NM_183380.4 and 1 more transcripts); c.3319-2902A>G (NM_015548.5).
Identifiers: ClinVar variation 1624229 (VCV001624229.10), dbSNP rs368341445, ClinGen allele CA139208345.

ClinVar aggregate classification (germline): Likely benign. Review status: criteria provided, multiple submitters, no conflicts (2 of 4 stars). 2 submissions from 2 submitters: Likely benign (2). Last evaluated 2026-05-01.

Conditions:
Hereditary sensory and autonomic neuropathy type 6. Also called: HSAN VI; Neuropathy, hereditary sensory and autonomic, type VI. Identifiers: Orphanet 314381, MedGen C3539003, MONDO:0013839, OMIM 614653.
Epidermolysis bullosa simplex 3, localized or generalized intermediate, with BP230 deficiency (EBS3). Also called: Epidermolysis bullosa simplex, autosomal recessive 2; Epidermolysis bullosa simplex due to BP230 deficiency. Identifiers: Orphanet 412181, MedGen C3809470, MONDO:0014180, OMIM 615425.

Allele frequency attached by ClinVar (database versions not stated): gnomAD 0.00001; gnomAD exomes 0.00001; TOPMed 0.00002; ESP Exome Variant Server 0.00008.
gnomAD v4.1: 8 of 1,613,620 alleles (0.0005%); highest among the groups gnomAD compares: Admixed American, 0.0017%; no homozygotes.

Submissions (2):

CeGaT Center for Human Genetics Tuebingen
Classification: Likely benign. Last evaluated: 2026-05-01. Review status: criteria provided, single submitter. Criteria: CeGaT Center For Human Genetics Tuebingen Variant Classification Criteria Version 2. Collection method: clinical testing. Allele origin: germline. Affected: yes. Observed: 1 variant allele.
Comment: DST: BP4, BP7

Labcorp Genetics (formerly Invitae), Labcorp
Classification: Likely benign for Epidermolysis bullosa simplex 3, localized or generalized intermediate, with BP230 deficiency; Hereditary sensory and autonomic neuropathy type 6. Last evaluated: 2021-10-13. Review status: criteria provided, single submitter. Criteria: Invitae Variant Classification Sherloc (09022015). Collection method: clinical testing. Allele origin: germline.